The following is an entry in ClinVar:

NM_001031711.3(ERGIC1):c.643-5C>T

Gene: ERGIC1 (endoplasmic reticulum-golgi intermediate compartment 1; plus strand). Cytogenetic location: 5q35.1.
Variant type: single nucleotide variant.
Coding change: c.643-5C>T on transcript NM_001031711.3 (MANE Select); 5 bases into the intron before coding-DNA position 643, C replaced by T.
Molecular consequence: intron variant.
Genome position (GRCh38, 1-based): chr5:172,935,183, C>T. VCF-style: chr5-172935183-C-T. GRCh37 (hg19) VCF-style: chr5-172362186-C-T.
Identifiers: ClinVar variation 3031824 (VCV003031824.2), dbSNP rs200458222, ClinGen allele CA3562462.

ClinVar aggregate classification (germline): Likely benign (0 of 4 stars; one submission).

Conditions:
ERGIC1-related disorder. Also called: ERGIC1-related condition.

Allele frequency attached by ClinVar (database versions not stated): TOPMed 0.00002; gnomAD 0.00005.
gnomAD v4.1: 274 of 1,614,122 alleles (0.017%); highest among the groups gnomAD compares: South Asian, 0.23%; 4 homozygotes.

Submission:

PreventionGenetics, part of Exact Sciences
Classification: Likely benign for ERGIC1-related condition. Last evaluated: 2022-11-17. Review status: no assertion criteria provided. Collection method: clinical testing. Allele origin: germline.
Comment: This variant is classified as likely benign based on ACMG/AMP sequence variant interpretation guidelines (Richards et al. 2015 PMID: 25741868, with internal and published modifications).